The following is an entry in ClinVar:

ClinVar aggregate classification (germline): Uncertain significance (1 of 4 stars; one submission).

gnomAD v4.1: 21 of 1,613,236 alleles (0.0013%); highest among the groups gnomAD compares: South Asian, 0.022%; 1 homozygote.

Submission:

Women's Health and Genetics/Laboratory Corporation of America, LabCorp
Classification: Uncertain significance. Last evaluated: 2024-12-10. Review status: criteria provided, single submitter. Criteria: LabCorp Variant Classification Summary - May 2015. Collection method: clinical testing. Allele origin: germline.
Comment: Variant summary: DYNC2H1 c.1453A>G (p.Ser485Gly) results in a non-conservative amino acid change in the encoded protein sequence. Three of four in-silico tools predict a benign effect of the variant on protein function. The variant allele was found at a frequency of 2.4e-05 in 248828 control chromosomes (gnomAD). The available data on variant occurrences in the general population are insufficient to allow any conclusion about variant significance. To our knowledge, no occurrence of c.1453A>G in individuals affected with Short-rib thoracic dysplasia and no experimental evidence demonstrating its impact on protein function have been reported. No submitters have cited clinical-significance assessments for this variant to ClinVar. Based on the evidence outlined above, the variant was classified as uncertain significance.

NM_001377.3(DYNC2H1):c.1453A>G (p.Ser485Gly)

Gene: DYNC2H1 (dynein cytoplasmic 2 heavy chain 1; plus strand). Cytogenetic location: 11q22.3.
Variant type: single nucleotide variant.
Coding change: c.1453A>G on transcript NM_001377.3 (MANE Select); coding-DNA position 1453, A replaced by G.
Protein change: p.Ser485Gly; replaces serine 485 with glycine.
Molecular consequence: missense variant.
Genome position (GRCh38, 1-based): chr11:103,121,464, A>G. VCF-style: chr11-103121464-A-G. GRCh37 (hg19) VCF-style: chr11-102992193-A-G.
Other names: c.1453A>G, p.Ser485Gly (NM_001080463.2); short protein forms S485G.
Identifiers: ClinVar variation 3768161 (VCV003768161.1).